The following is an entry in ClinVar:

NM_003737.4(DCHS1):c.1797+4G>A

Gene: DCHS1 (dachsous cadherin-related 1; minus strand). Cytogenetic location: 11p15.4.
Variant type: single nucleotide variant.
Coding change: c.1797+4G>A on transcript NM_003737.4 (MANE Select); 4 bases into the intron after coding-DNA position 1797, G replaced by A.
Molecular consequence: intron variant.
Genome position (GRCh38, 1-based): chr11:6,639,813, C>T on the plus strand (G>A on the coding strand, the complement: DCHS1 is on the minus strand). VCF-style: chr11-6639813-C-T. GRCh37 (hg19) VCF-style: chr11-6661044-C-T.
Identifiers: ClinVar variation 2175018 (VCV002175018.4), dbSNP rs766343299, ClinGen allele CA5860898.

ClinVar aggregate classification (germline): Uncertain significance (1 of 4 stars; one submission).

Allele frequency attached by ClinVar (database versions not stated): ExAC 0.00001; gnomAD exomes 0.00001.
gnomAD v4.1: 4 of 1,584,970 alleles (0.00025%); highest among the groups gnomAD compares: Non-Finnish European, 0.00034%; no homozygotes.

Submission:

Labcorp Genetics (formerly Invitae), Labcorp
Classification: Uncertain significance. Last evaluated: 2025-10-09. Review status: criteria provided, single submitter. Criteria: Invitae Variant Classification Sherloc (09022015). Collection method: clinical testing. Allele origin: germline.
Comment: This sequence change falls in intron 2 of the DCHS1 gene. It does not directly change the encoded amino acid sequence of the DCHS1 protein. It affects a nucleotide within the consensus splice site. This variant is present in population databases (rs766343299, gnomAD 0.001%). This variant has not been reported in the literature in individuals affected with DCHS1-related conditions. ClinVar contains an entry for this variant (Variation ID: 2175018). Variants that disrupt the consensus splice site are a relatively common cause of aberrant splicing (PMID: 17576681, 9536098). Algorithms developed to predict the effect of sequence changes on RNA splicing suggest that this variant is not likely to affect RNA splicing. In summary, the available evidence is currently insufficient to determine the role of this variant in disease. Therefore, it has been classified as a Variant of Uncertain Significance.

Literature cited by the submitters: PubMed 17576681; PubMed 9536098.